The following is an entry in ClinVar:

ClinVar aggregate classification (germline): Benign/Likely benign. Review status: criteria provided, multiple submitters, no conflicts (2 of 4 stars). 9 submissions from 9 submitters: Benign (1); Likely benign (8). Last evaluated 2025-12-21.

Conditions:
Hereditary cancer-predisposing syndrome. Also called: Hereditary neoplastic syndrome; Tumor predisposition; Neoplastic Syndromes, Hereditary; Hereditary Cancer Syndrome. Identifiers: Orphanet 140162, MedGen C0027672, MeSH D009386, MONDO:0015356.
Fanconi anemia complementation group J. Also called: BRIP1-Related Fanconi Anemia. Identifiers: Orphanet 84, MedGen C1836860, MONDO:0012187, OMIM 609054.
Familial cancer of breast. Also called: Hereditary breast cancer; hereditary breast carcinoma; BREAST CANCER, FAMILIAL. Identifiers: Orphanet 227535, MedGen C0346153, MONDO:0016419, OMIM 114480. Disease mechanism: loss of function.

Allele frequency attached by ClinVar (database versions not stated): gnomAD exomes below 0.00001 and 0.00001; ExAC 0.00001; TOPMed 0.00001.
gnomAD v4.1: 16 of 1,613,252 alleles (0.00099%); highest among the groups gnomAD compares: South Asian, 0.0011%; no homozygotes.

Submissions (9):

Labcorp Genetics (formerly Invitae), Labcorp
Classification: Likely benign for Familial cancer of breast; Fanconi anemia complementation group J. Last evaluated: 2025-12-21. Review status: criteria provided, single submitter. Criteria: Invitae Variant Classification Sherloc (09022015). Collection method: clinical testing. Allele origin: germline.

Myriad Genetics, Inc.
Classification: Benign for Familial cancer of breast. Last evaluated: 2024-08-08. Review status: criteria provided, single submitter. Criteria: Myriad Autosomal Dominant, Autosomal Recessive and X-Linked Classification Criteria (2023). Collection method: clinical testing. Allele origin: unknown.
Comment: This variant is considered benign. This variant is a silent/synonymous amino acid change and it is not expected to impact splicing.

CeGaT Center for Human Genetics Tuebingen
Classification: Likely benign. Last evaluated: 2023-10-01. Review status: criteria provided, single submitter. Criteria: CeGaT Center For Human Genetics Tuebingen Variant Classification Criteria Version 2. Collection method: clinical testing. Allele origin: germline. Affected: yes. Observed: 1 variant allele.
Comment: BRIP1: BP4, BP7

Blueprint Genetics
Classification: Likely benign. Last evaluated: 2022-12-16. Review status: criteria provided, single submitter. Criteria: ACMG Guidelines, 2015. Collection method: clinical testing. Allele origin: germline.

Department of Pathology and Laboratory Medicine, Sinai Health System
Classification: Likely benign for Familial cancer of breast. Last evaluated: 2022-07-14. Review status: criteria provided, single submitter. Criteria: ACMG Guidelines, 2015. Collection method: clinical testing. Allele origin: germline. Affected: yes.

Quest Diagnostics Nichols Institute San Juan Capistrano
Classification: Likely benign. Last evaluated: 2019-12-10. Review status: criteria provided, single submitter. Criteria: Quest Diagnostics criteria. Collection method: clinical testing. Allele origin: unknown.

GeneDx
Classification: Likely benign. Last evaluated: 2017-02-16. Review status: criteria provided, single submitter. Criteria: GeneDx Variant Classification (06012015). Collection method: clinical testing. Allele origin: germline. Affected: yes.
Comment: This variant is considered likely benign or benign based on one or more of the following criteria: it is a conservative change, it occurs at a poorly conserved position in the protein, it is predicted to be benign by multiple in silico algorithms, and/or has population frequency not consistent with disease.

Color Diagnostics, LLC DBA Color Health
Classification: Likely benign for Hereditary cancer-predisposing syndrome. Last evaluated: 2016-10-07. Review status: criteria provided, single submitter. Criteria: ACMG Guidelines, 2015. Collection method: clinical testing. Allele origin: germline.

Ambry Genetics
Classification: Likely benign for Hereditary cancer-predisposing syndrome. Last evaluated: 2016-01-22. Review status: criteria provided, single submitter. Criteria: Ambry Variant Classification Scheme 2023. Collection method: clinical testing. Allele origin: germline.

NM_032043.3(BRIP1):c.33T>C (p.Gly11=)

Gene: BRIP1 (BRCA1 interacting DNA helicase 1; minus strand). Cytogenetic location: 17q23.2.
Variant type: single nucleotide variant.
Coding change: c.33T>C on transcript NM_032043.3 (MANE Select); coding-DNA position 33, T replaced by C.
Protein change: p.Gly11=; no amino-acid change (glycine 11 retained).
Molecular consequence: synonymous variant.
Genome position (GRCh38, 1-based): chr17:61,861,507, A>G on the plus strand (T>C on the coding strand, the complement: BRIP1 is on the minus strand). VCF-style: chr17-61861507-A-G. GRCh37 (hg19) VCF-style: chr17-59938868-A-G.
Identifiers: ClinVar variation 479411 (VCV000479411.47), dbSNP rs759187663, ClinGen allele CA8691016.